The following is an entry in ClinVar:

NM_003072.5(SMARCA4):c.3975C>T (p.Arg1325=)

Gene: SMARCA4 (SWI/SNF related BAF chromatin remodeling complex subunit ATPase 4; plus strand). Cytogenetic location: 19p13.2.
Variant type: single nucleotide variant.
Coding change: c.3975C>T on transcript NM_003072.5 (MANE Select); coding-DNA position 3975, C replaced by T.
Protein change: p.Arg1325=; no amino-acid change (arginine 1325 retained).
Molecular consequence: synonymous variant. On other transcripts: non-coding transcript variant (1).
Genome position (GRCh38, 1-based): chr19:11,034,937, C>T. VCF-style: chr19-11034937-C-T. GRCh37 (hg19) VCF-style: chr19-11145613-C-T.
Other names: c.3975C>T, p.Arg1325= (NM_001128844.3, NM_001128849.3, NM_001387283.1); c.3876C>T, p.Arg1292= (NM_001128845.2, NM_001128846.2, NM_001128847.4 and 2 more transcripts).
Identifiers: ClinVar variation 212254 (VCV000212254.64), dbSNP rs144803359, ClinGen allele CA207407.

ClinVar aggregate classification (germline): Conflicting classifications of pathogenicity. Review status: criteria provided, conflicting classifications (1 of 4 stars). 10 submissions from 10 submitters: Uncertain significance (1); Benign (3); Likely benign (5). 1 of the submissions does not count toward it. Last evaluated 2026-07-17.

Conditions:
Coffin-Siris syndrome. Identifiers: Orphanet 1465, MedGen C0265338, MONDO:0015452.
Intellectual disability, autosomal dominant 16 (CSS4). Also called: COFFIN-SIRIS SYNDROME 4. Identifiers: Orphanet 1465, MedGen C3553249, MONDO:0013821, OMIM 614609.
Rhabdoid tumor predisposition syndrome 2 (RTPS2). Identifiers: Orphanet 231108, Orphanet 69077, MedGen C2750074, MONDO:0013224, OMIM 613325.
SMARCA4-related disorder. Also called: SMARCA4-related condition.
Hereditary cancer-predisposing syndrome. Also called: Neoplastic Syndromes, Hereditary; Tumor predisposition; Hereditary Cancer Syndrome; Hereditary neoplastic syndrome. Identifiers: Orphanet 140162, MedGen C0027672, MeSH D009386, MONDO:0015356.

Allele frequency attached by ClinVar (database versions not stated): TOPMed 0.00015; gnomAD 0.00009 and 0.00011; 1000 Genomes Project 30x 0.00016; ESP Exome Variant Server 0.00023; ExAC 0.00034; 1000 Genomes Project 0.00020; gnomAD exomes 0.00020.
gnomAD v4.1: 198 of 1,578,682 alleles (0.013%); highest among the groups gnomAD compares: Middle Eastern, 0.06%; no homozygotes.

Submissions (10):

Myriad Genetics, Inc.
Classification: Benign for Rhabdoid tumor predisposition syndrome 2. Last evaluated: 2026-07-17. Review status: criteria provided, single submitter. Criteria: Myriad Autosomal Dominant, Autosomal Recessive and X-Linked Classification Criteria (2023). Collection method: clinical testing. Allele origin: unknown.
Comment: This variant is considered benign. This variant is a silent/synonymous amino acid change and it is not expected to impact splicing.

CeGaT Center for Human Genetics Tuebingen
Classification: Likely benign. Last evaluated: 2026-07-01. Review status: criteria provided, single submitter. Criteria: CeGaT Center For Human Genetics Tuebingen Variant Classification Criteria Version 2. Collection method: clinical testing. Allele origin: germline. Affected: yes. Observed: 8 variant alleles.
Comment: SMARCA4: BP4, BP7

Labcorp Genetics (formerly Invitae), Labcorp
Classification: Likely benign for Rhabdoid tumor predisposition syndrome 2. Last evaluated: 2026-01-20. Review status: criteria provided, single submitter. Criteria: Invitae Variant Classification Sherloc (09022015). Collection method: clinical testing. Allele origin: germline.

Genome-Nilou Lab
Classification: Likely benign for Intellectual disability, autosomal dominant 16. Last evaluated: 2021-07-15. Review status: criteria provided, single submitter. Criteria: ACMG Guidelines, 2015. Collection method: clinical testing. Allele origin: germline. Affected: no.

Sema4
Classification: Benign for Hereditary cancer-predisposing syndrome. Last evaluated: 2020-12-02. Review status: criteria provided, single submitter. Criteria: Sema4 Curation Guidelines. Collection method: curation. Allele origin: germline.

GeneDx
Classification: Likely benign. Last evaluated: 2020-06-19. Review status: criteria provided, single submitter. Criteria: GeneDx Variant Classification Process June 2021. Collection method: clinical testing. Allele origin: germline. Affected: yes.

Illumina Laboratory Services, Illumina
Classification: Benign for Coffin-Siris syndrome. Last evaluated: 2018-01-12. Review status: criteria provided, single submitter. Criteria: ICSL Variant Classification Criteria 13 December 2019. Collection method: clinical testing. Allele origin: germline.
Comment: This variant was observed in the ICSL laboratory as part of a predisposition screen in an ostensibly healthy population. It had not been previously curated by ICSL or reported in the Human Gene Mutation Database (HGMD: prior to June 1st, 2018), and was therefore a candidate for classification through an automated scoring system. Utilizing variant allele frequency, disease prevalence and penetrance estimates, and inheritance mode, an automated score was calculated to assess if this variant is too frequent to cause the disease. Based on the score and internal cut-off values, a variant classified as benign is not then subjected to further curation. The score for this variant resulted in a classification of benign for this disease.

Ambry Genetics
Classification: Likely benign for Hereditary cancer-predisposing syndrome. Last evaluated: 2015-09-22. Review status: criteria provided, single submitter. Criteria: Ambry Variant Classification Scheme 2023. Collection method: clinical testing. Allele origin: germline.

Genetic Services Laboratory, University of Chicago
Classification: Uncertain significance. Last evaluated: 2015-06-29. Review status: criteria provided, single submitter. Criteria: ACMG Guidelines, 2015. Collection method: clinical testing. Allele origin: germline.

PreventionGenetics, part of Exact Sciences
Classification: Likely benign for SMARCA4-related condition. Last evaluated: 2019-05-08. Review status: no assertion criteria provided. Collection method: clinical testing. Allele origin: germline. Not counted in ClinVar's aggregate classification.
Comment: This variant is classified as likely benign based on ACMG/AMP sequence variant interpretation guidelines (Richards et al. 2015 PMID: 25741868, with internal and published modifications).